The following is an entry in ClinVar:

ClinVar aggregate classification (germline): Uncertain significance (1 of 4 stars; one submission).

Conditions:
Hereditary cancer-predisposing syndrome. Also called: Tumor predisposition; Neoplastic Syndromes, Hereditary; Hereditary neoplastic syndrome; Hereditary Cancer Syndrome. Identifiers: Orphanet 140162, MedGen C0027672, MeSH D009386, MONDO:0015356.

Submission:

Ambry Genetics
Classification: Uncertain significance for Hereditary cancer-predisposing syndrome. Last evaluated: 2024-09-16. Review status: criteria provided, single submitter. Criteria: Ambry Variant Classification Scheme 2023. Collection method: clinical testing. Allele origin: germline.
Comment: The p.Y1461H variant (also known as c.4381T>C), located in coding exon 33 of the TSC2 gene, results from a T to C substitution at nucleotide position 4381. The tyrosine at codon 1461 is replaced by histidine, an amino acid with similar properties. This amino acid position is conserved. In addition, the in silico prediction for this alteration is inconclusive. Based on the available evidence, the clinical significance of this variant remains unclear.

NM_000548.5(TSC2):c.4381T>C (p.Tyr1461His)

Gene: TSC2 (TSC complex subunit 2; plus strand). Cytogenetic location: 16p13.3.
Variant type: single nucleotide variant.
Coding change: c.4381T>C on transcript NM_000548.5 (MANE Select); coding-DNA position 4381, T replaced by C.
Protein change: p.Tyr1461His; replaces tyrosine 1461 with histidine.
Molecular consequence: missense variant. On other transcripts: non-coding transcript variant (5).
Genome position (GRCh38, 1-based): chr16:2,084,603, T>C. VCF-style: chr16-2084603-T-C. GRCh37 (hg19) VCF-style: chr16-2134604-T-C.
Other names: c.4180T>C, p.Tyr1394His (NM_001077183.3); c.4312T>C, p.Tyr1438His (NM_001114382.3); c.4072T>C, p.Tyr1358His (NM_001318827.2); c.4036T>C, p.Tyr1346His (NM_001318829.2); c.3649T>C, p.Tyr1217His (NM_001318831.2); c.4213T>C, p.Tyr1405His (NM_001318832.2); c.4183T>C, p.Tyr1395His (NM_001363528.2); c.4249T>C, p.Tyr1417His (NM_001370404.1); and 26 more; short protein forms Y1388H, Y1391H, Y1401H, Y1425H, Y1438H, Y990H, Y1241H, Y1345H.
Identifiers: ClinVar variation 3462627 (VCV003462627.1).
Genomic context (GRCh38, chr16:2,084,603, plus strand): 5'-CCCGAGGGTCCCTTGCCTTCCAGCTCCCCCCGCTCGCCCAGTGGCCTCCGGCCCCGAGGT[T>C]ACACCATCTCCGACTCGGCCCCATCACGCAGGGGCAAGAGAGTAGAGAGGGACGCCTTAA-3'
Protein context (NP_000539.2, residues 1451-1471): RSPSGLRPRG[Tyr1461His]TISDSAPSRR